The following is an entry in ClinVar:

ClinVar aggregate classification (germline): Pathogenic. Review status: criteria provided, multiple submitters, no conflicts (2 of 4 stars). 4 submissions from 3 submitters: Pathogenic (3). 1 of the submissions does not count toward it. Last evaluated 2021-12-21.

Conditions:
Intellectual disability. Also called: Intellectual functioning disability; Intellectual developmental disorder; intellectual disabilities. Identifiers: MedGen C3714756, MeSH D008607, MONDO:0001071, HP:0001249.
Ververi-Brady syndrome. Identifiers: MedGen C4693824, MONDO:0979877.

Submissions (4):

Institute of Human Genetics, University of Leipzig Medical Center
Classification: Pathogenic for Ververi-Brady syndrome 1. Last evaluated: 2021-12-21. Review status: criteria provided, single submitter. Criteria: ACMG Guidelines, 2015. Collection method: research. Allele origin: de novo. Affected: yes.

Institute of Human Genetics, University of Leipzig Medical Center
Classification: Pathogenic for Intellectual disability. Last evaluated: 2020-06-05. Review status: criteria provided, single submitter. Criteria: ACMG Guidelines, 2015. Collection method: clinical testing. Allele origin: de novo. Inheritance: Sporadic. Affected: yes. Observed: 1 heterozygote.
Comment: This variant has not been reported in the general population or the literature. The variant thus arose de novo.

Institute of Human Genetics, University Hospital of Duesseldorf
Classification: Pathogenic for Ververi-Brady syndrome 1. Review status: criteria provided, single submitter. Criteria: ACMG Guidelines, 2015. Collection method: not provided. Allele origin: germline. Inheritance: Autosomal dominant inheritance. Affected: yes.

OMIM
Classification: Pathogenic for VERVERI-BRADY SYNDROME 1. Last evaluated: 2025-08-29. Review status: no assertion criteria provided. Collection method: literature only. Allele origin: germline. Not counted in ClinVar's aggregate classification.

Literature cited by the submitters: PubMed 34859529 (cited by Institute of Human Genetics, University of Leipzig Medical Center); PubMed 33009816 (cited by OMIM).

NM_198880.3(QRICH1):c.832_833del (p.Ser278fs)

Gene: QRICH1 (glutamine rich 1; minus strand). Cytogenetic location: 3p21.31.
Variant type: Microsatellite.
Coding change: c.832_833del on transcript NM_198880.3 (MANE Select); coding-DNA positions 832 to 833, 2 bases deleted (AG; older notation c.832_833delAG).
Protein change: p.Ser278fs; shifts the reading frame from serine 278.
Molecular consequence: frameshift variant.
Genome position (GRCh38, 1-based): chr3:49,057,367-49,057,368, CT deleted on the plus strand (AG on the coding strand, the reverse complement: QRICH1 is on the minus strand); deleting any 2 consecutive bases within chr3:49,057,367-49,057,370 gives the same sequence; the c. name uses the placement nearest the transcript's 3' end. VCF-style (leftmost placement, unchanged base first): chr3-49057366-ACT-A. GRCh37 (hg19) VCF-style: chr3-49094799-ACT-A.
Other names: c.832_833delAG (NM_198880.3); c.832_833del, p.Ser278fs (NM_001320580.2, NM_001320581.2, NM_001320582.2 and 4 more transcripts); short protein forms S278fs.
Identifiers: ClinVar variation 929435 (VCV000929435.7), dbSNP rs2093408575, ClinGen allele CA1363305761.